The following is an entry in ClinVar:

NM_004415.4(DSP):c.1071G>T (p.Gln357His)

Gene: DSP (desmoplakin; plus strand). Cytogenetic location: 6p24.3.
Variant type: single nucleotide variant.
Coding change: c.1071G>T on transcript NM_004415.4 (MANE Select); coding-DNA position 1071, G replaced by T.
Protein change: p.Gln357His; replaces glutamine 357 with histidine.
Molecular consequence: missense variant.
Genome position (GRCh38, 1-based): chr6:7,567,380, G>T. VCF-style: chr6-7567380-G-T. GRCh37 (hg19) VCF-style: chr6-7567613-G-T.
Other names: c.1071G>T, p.Gln357His (NM_001008844.3, NM_001319034.2, NM_001406591.1); short protein forms Q357H.
Identifiers: ClinVar variation 3767934 (VCV003767934.1).
Genomic context (GRCh38, chr6:7,567,380, plus strand): 5'-CTAGGCTAAGACAGCTGACATTTTCTTGTTTCAGGCCTATATGGACACTCTGCAGACGCA[G>T]TGGAGTTGGATTCTTCAGATCACCAAGTGCATTGATGTTCATCTGAAAGAAAATGCTGCC-3'
Protein context (NP_004406.2, residues 347-367): IEAYMDTLQT[Gln357His]WSWILQITKC

ClinVar aggregate classification (germline): Uncertain significance (1 of 4 stars; one submission).

Conditions:
Cardiovascular phenotype. Identifiers: MedGen CN230736.

Submission:

Molecular Diagnostic Laboratory for Inherited Cardiovascular Disease, Montreal Heart Institute
Classification: Uncertain significance for Cardiovascular phenotype. Last evaluated: 2025-02-17. Review status: criteria provided, single submitter. Criteria: ACMG Guidelines, 2015. Collection method: clinical testing. Allele origin: germline. Affected: yes.
Comment: PM1, PM2, PP3